The following is an entry in ClinVar:

ClinVar aggregate classification (germline): Uncertain significance (1 of 4 stars; one submission).

Conditions:
Seizures, benign familial infantile, 3 (BFIS3). Also called: Familial neonatal seizures; CONVULSIONS, BENIGN FAMILIAL INFANTILE, 3. Identifiers: Orphanet 140927, Orphanet 306, MedGen C1843140, MONDO:0011904, OMIM 607745.
Developmental and epileptic encephalopathy, 11 (DEE11). Also called: Early infantile epileptic encephalopathy 11. Identifiers: Orphanet 1934, MedGen C3150987, MONDO:0013388, OMIM 613721.

Submission:

Labcorp Genetics (formerly Invitae), Labcorp
Classification: Uncertain significance for Seizures, benign familial infantile, 3; Developmental and epileptic encephalopathy, 11. Last evaluated: 2024-11-11. Review status: criteria provided, single submitter. Criteria: Invitae Variant Classification Sherloc (09022015). Collection method: clinical testing. Allele origin: germline.
Comment: This sequence change replaces aspartic acid, which is acidic and polar, with glycine, which is neutral and non-polar, at codon 996 of the SCN2A protein (p.Asp996Gly). This variant is not present in population databases (gnomAD no frequency). This variant has not been reported in the literature in individuals affected with SCN2A-related conditions. ClinVar contains an entry for this variant (Variation ID: 653591). Invitae Evidence Modeling of protein sequence and biophysical properties (such as structural, functional, and spatial information, amino acid conservation, physicochemical variation, residue mobility, and thermodynamic stability) indicates that this missense variant is expected to disrupt SCN2A protein function with a positive predictive value of 95%. In summary, the available evidence is currently insufficient to determine the role of this variant in disease. Therefore, it has been classified as a Variant of Uncertain Significance.

NM_001040142.2(SCN2A):c.2987A>G (p.Asp996Gly)

Gene: SCN2A (sodium voltage-gated channel alpha subunit 2; plus strand). Cytogenetic location: 2q24.3.
Variant type: single nucleotide variant.
Coding change: c.2987A>G on transcript NM_001040142.2 (MANE Select); coding-DNA position 2987, A replaced by G.
Protein change: p.Asp996Gly; replaces aspartic acid 996 with glycine.
Molecular consequence: missense variant.
Genome position (GRCh38, 1-based): chr2:165,354,259, A>G. VCF-style: chr2-165354259-A-G. GRCh37 (hg19) VCF-style: chr2-166210769-A-G.
Other names: c.2987A>G, p.Asp996Gly (NM_001040143.2, NM_001371246.1, NM_001371247.1 and 1 more transcripts); short protein forms D996G.
Identifiers: ClinVar variation 653591 (VCV000653591.11), dbSNP rs1574664322, ClinGen allele CA349019572.